The following is an entry in ClinVar:

ClinVar aggregate classification (germline): Uncertain significance (1 of 4 stars; one submission).

Conditions:
IRF2BP2-related disorder. Also called: IRF2BP2-related condition.

gnomAD v4.1: 4 of 1,341,740 alleles (0.0003%); highest among the groups gnomAD compares: East Asian, 0.0031%; no homozygotes.

Submission:

PreventionGenetics, part of Exact Sciences
Classification: Uncertain significance for IRF2BP2-related condition. Last evaluated: 2025-05-08. Review status: criteria provided, single submitter. Criteria: ACMG Guidelines, 2015. Collection method: clinical testing. Allele origin: germline.
Comment: The IRF2BP2 c.274C>G variant is predicted to result in the amino acid substitution p.Leu92Val. To our knowledge, this variant has not been reported in the literature or in a large population database (gnomAD), indicating this variant is rare. At this time, the clinical significance of this variant is uncertain due to the absence of conclusive functional and genetic evidence.

NM_182972.3(IRF2BP2):c.274C>G (p.Leu92Val)

Genes: IRF2BP2 (interferon regulatory factor 2 binding protein 2; minus strand), LOC129932812 (ATAC-STARR-seq lymphoblastoid silent region 1977; plus strand). Cytogenetic location: 1q42.3.
Variant type: single nucleotide variant.
Coding change: c.274C>G on transcript NM_182972.3 (MANE Select); coding-DNA position 274, C replaced by G.
Protein change: p.Leu92Val; replaces leucine 92 with valine.
Molecular consequence: missense variant.
Genome position (GRCh38, 1-based): chr1:234,609,221, G>C on the plus strand (C>G on the coding strand, the complement: IRF2BP2 is on the minus strand). VCF-style: chr1-234609221-G-C. GRCh37 (hg19) VCF-style: chr1-234744967-G-C.
Other names: c.274C>G, p.Leu92Val (NM_001077397.1); short protein forms L92V.
Identifiers: ClinVar variation 4984551 (VCV004984551.1).